The following is an entry in ClinVar:

ClinVar aggregate classification (germline): Uncertain significance. Review status: criteria provided, multiple submitters, no conflicts (2 of 4 stars). 3 submissions from 3 submitters: Uncertain significance (2). 1 of the submissions does not count toward it. Last evaluated 2023-08-11.

Conditions:
3-Methylglutaconic aciduria type 3 (MGCA3). Also called: OPA3, AUTOSOMAL RECESSIVE; OPTIC ATROPHY 3, AUTOSOMAL RECESSIVE; Costeff Syndrome; OPA3-Related 3-Methylglutaconic Aciduria. Identifiers: Orphanet 67047, MedGen C0574084, MONDO:0009787, OMIM 258501.
Optic atrophy 3 (OPA3). Also called: Optic atrophy, cataract, and neurologic disorder; OPTIC ATROPHY 3, AUTOSOMAL DOMINANT; Optic atrophy 3 with cataract. Identifiers: Orphanet 67036, MedGen C1833809, MONDO:0008133, OMIM 165300.

Allele frequency attached by ClinVar (database versions not stated): TOPMed 0.00002; gnomAD 0.00003.
gnomAD v4.1: 17 of 1,601,062 alleles (0.0011%); highest among the groups gnomAD compares: South Asian, 0.012%; no homozygotes.

Submissions (3):

Labcorp Genetics (formerly Invitae), Labcorp
Classification: Uncertain significance for 3-Methylglutaconic aciduria type 3; Optic atrophy 3. Last evaluated: 2023-08-11. Review status: criteria provided, single submitter. Criteria: Invitae Variant Classification Sherloc (09022015). Collection method: clinical testing. Allele origin: germline.
Comment: This variant has not been reported in the literature in individuals affected with OPA3-related conditions. In summary, the available evidence is currently insufficient to determine the role of this variant in disease. Therefore, it has been classified as a Variant of Uncertain Significance. Algorithms developed to predict the effect of sequence changes on RNA splicing suggest that this variant may create or strengthen a splice site. ClinVar contains an entry for this variant (Variation ID: 450618). The frequency data for this variant in the population databases is considered unreliable, as metrics indicate poor data quality at this position in the gnomAD database. This sequence change falls in intron 1 of the OPA3 gene. It does not directly change the encoded amino acid sequence of the OPA3 protein.

GeneDx
Classification: Uncertain significance. Last evaluated: 2018-08-20. Review status: criteria provided, single submitter. Criteria: GeneDx Variant Classification (06012015). Collection method: clinical testing. Allele origin: germline. Affected: yes.
Comment: The c.143-5 C>A variant has not been published as a pathogenic variant, nor has it been reported as a benign variant to our knowledge. The c.143-5 C>A variant is observed in 4/30,048 (0.01%) alleles from individuals of South Asian background in the ExAC dataset (Lek et al., 2016). Several in silico splice prediction models predict that creates a cryptic acceptor site which may supplant the natural acceptor site and lead to abnormal gene splicing. However, in the absence of RNA/functional studies, the actual effect of this sequence change in this individual is unknown. Therefore, based on the currently available information, it is unclear whether this variant is a pathogenic variant or a rare benign variant.

Natera, Inc.
Classification: Uncertain significance for 3-methylglutaconic aciduria type 3. Last evaluated: 2019-11-11. Review status: no assertion criteria provided. Collection method: clinical testing. Allele origin: germline. Not counted in ClinVar's aggregate classification.

NM_025136.4(OPA3):c.143-5C>A

Genes: OPA3 (outer mitochondrial membrane lipid metabolism regulator OPA3; minus strand), OPA3-RTN2 (OPA3-RTN2 readthrough; minus strand). Cytogenetic location: 19q13.32.
Variant type: single nucleotide variant.
Coding change: c.143-5C>A on transcript NM_025136.4 (MANE Select); 5 bases into the intron before coding-DNA position 143, C replaced by A.
Molecular consequence: intron variant.
Genome position (GRCh38, 1-based): chr19:45,553,916, G>T on the plus strand (C>A on the coding strand, the complement: OPA3 is on the minus strand). VCF-style: chr19-45553916-G-T. GRCh37 (hg19) VCF-style: chr19-46057174-G-T.
Other names: c.143-24460C>A (NM_001017989.3).
Identifiers: ClinVar variation 450618 (VCV000450618.6), dbSNP rs770452409, ClinGen allele CA9517455.